The following is an entry in ClinVar:

ClinVar aggregate classification (germline): Likely pathogenic (1 of 4 stars; one submission).

Conditions:
Primary ciliary dyskinesia 3. Identifiers: Orphanet 244, MedGen C1837618, MONDO:0012085, OMIM 608644.

Submission:

Myriad Genetics, Inc.
Classification: Likely pathogenic for Primary ciliary dyskinesia 3. Last evaluated: 2025-07-15. Review status: criteria provided, single submitter. Criteria: Myriad Autosomal Dominant, Autosomal Recessive and X-Linked Classification Criteria (2023). Collection method: clinical testing. Allele origin: unknown.
Comment: NM_001369.2(DNAH5):c.12705+1G>C is a variant in a canonical splice site classified as likely pathogenic in the context of primary ciliary dyskinesia, DNAH5-related. c.12705+1G>C has not been observed in cases with relevant disease. Relevant functional assessments of this variant are not available in the literature. c.12705+1G>C has not been observed in referenced population frequency databases. In summary, NM_001369.2(DNAH5):c.12705+1G>C is a variant in a canonical splice site in a gene where loss of function is a known mechanism of disease and is predicted to disrupt protein function. Please note: this variant was assessed in the context of healthy population screening.

NM_001369.3(DNAH5):c.12705+1G>C

Gene: DNAH5 (dynein axonemal heavy chain 5; minus strand). Cytogenetic location: 5p15.2.
Variant type: single nucleotide variant.
Coding change: c.12705+1G>C on transcript NM_001369.3 (MANE Select); the canonical splice donor site of the intron after coding-DNA position 12705, G replaced by C.
Molecular consequence: splice donor variant.
Genome position (GRCh38, 1-based): chr5:13,717,314, C>G on the plus strand (G>C on the coding strand, the complement: DNAH5 is on the minus strand). VCF-style: chr5-13717314-C-G. GRCh37 (hg19) VCF-style: chr5-13717423-C-G.
Identifiers: ClinVar variation 4081630 (VCV004081630.1).